The following is an entry in ClinVar:

ClinVar aggregate classification (germline): Uncertain significance. Review status: criteria provided, single submitter (1 of 4 stars). 2 submissions from 2 submitters: Uncertain significance (1). 1 of the submissions does not count toward it. Last evaluated 2024-11-22.

Conditions:
Fanconi anemia (FA). Also called: Fanconi's anemia. Identifiers: Orphanet 84, MedGen C0015625, MeSH D005199, MONDO:0019391.
Inborn genetic diseases. Identifiers: MedGen C0950123, MeSH D030342.

gnomAD v4.1: 5 of 1,614,052 alleles (0.00031%); highest among the groups gnomAD compares: Non-Finnish European, 0.00042%; no homozygotes.

Submissions (2):

Ambry Genetics
Classification: Uncertain significance for Inborn genetic diseases. Last evaluated: 2024-11-22. Review status: criteria provided, single submitter. Criteria: Ambry Variant Classification Scheme 2023. Collection method: clinical testing. Allele origin: germline.
Comment: The p.A1380S variant (also known as c.4138G>T), located in coding exon 41 of the FANCA gene, results from a G to T substitution at nucleotide position 4138. The alanine at codon 1380 is replaced by serine, an amino acid with similar properties. This amino acid position is conserved. In addition, this alteration is predicted to be tolerated by in silico analysis. Based on the available evidence, the clinical significance of this variant remains unclear.

Natera, Inc.
Classification: Uncertain significance for Fanconi anemia. Last evaluated: 2025-02-05. Review status: no assertion criteria provided. Collection method: clinical testing. Allele origin: germline. Not counted in ClinVar's aggregate classification.

NM_000135.4(FANCA):c.4138G>T (p.Ala1380Ser)

Genes: FANCA (FA complementation group A; minus strand), ZNF276 (zinc finger protein 276; plus strand). Cytogenetic location: 16q24.3.
Variant type: single nucleotide variant.
Coding change: c.4138G>T on transcript NM_000135.4 (MANE Select); coding-DNA position 4138, G replaced by T.
Protein change: p.Ala1380Ser; replaces alanine 1380 with serine.
Molecular consequence: missense variant. On other transcripts: 3 prime UTR variant (2), non-coding transcript variant (4).
Genome position (GRCh38, 1-based): chr16:89,739,162, C>A on the plus strand (G>T on the coding strand, the complement: FANCA is on the minus strand). VCF-style: chr16-89739162-C-A. GRCh37 (hg19) VCF-style: chr16-89805570-C-A.
Other names: c.4138G>T, p.Ala1380Ser (NM_001286167.3); c.*916C>A (NM_001113525.2, NM_152287.4); c.4138G>T (NM_000135.3); short protein forms A1380S.
Identifiers: ClinVar variation 3512653 (VCV003512653.2).